The following is an entry in ClinVar:

NM_001257180.2(SLC20A2):c.958G>A (p.Gly320Ser)

Gene: SLC20A2 (solute carrier family 20 member 2; minus strand). Cytogenetic location: 8p11.21.
Variant type: single nucleotide variant.
Coding change: c.958G>A on transcript NM_001257180.2 (MANE Select); coding-DNA position 958, G replaced by A.
Protein change: p.Gly320Ser; replaces glycine 320 with serine.
Molecular consequence: missense variant.
Genome position (GRCh38, 1-based): chr8:42,437,554, C>T on the plus strand (G>A on the coding strand, the complement: SLC20A2 is on the minus strand). VCF-style: chr8-42437554-C-T. GRCh37 (hg19) VCF-style: chr8-42295072-C-T.
Other names: c.958G>A, p.Gly320Ser (NM_001257181.2, NM_006749.5); short protein forms G320S.
Identifiers: ClinVar variation 3359447 (VCV003359447.1).
Genomic context (GRCh38, chr8:42,437,554, plus strand): 5'-CGCTCCTGGTGTGGCCGTCGAAGCCGAAGGTGCCGTTGGAGATGGGCGATTTCACAGAGC[C>T]ATGGGTCATGGACAGTGCTCTTCCTGAAAAGGGTTAGAGAAGGTCTCATTTTCCAGTCTT-3'
Protein context (NP_001244109.1, residues 310-330): AYGRALSMTH[Gly320Ser]SVKSPISNGT

ClinVar aggregate classification (germline): Uncertain significance (1 of 4 stars; one submission).

Submission:

GeneDx
Classification: Uncertain significance. Last evaluated: 2023-06-06. Review status: criteria provided, single submitter. Criteria: GeneDx Variant Classification Process June 2021. Collection method: clinical testing. Allele origin: germline. Affected: yes.
Comment: Has not been previously published as pathogenic or benign to our knowledge; In silico analysis supports that this missense variant does not alter protein structure/function; Not observed at significant frequency in large population cohorts (gnomAD)